The following is an entry in ClinVar:

ClinVar aggregate classification (germline): Pathogenic. Review status: criteria provided, multiple submitters, no conflicts (2 of 4 stars). 3 submissions from 3 submitters: Pathogenic (3). Last evaluated 2023-07-17.

Conditions:
Deficiency of acetyl-CoA acetyltransferase. Also called: 3-KETOTHIOLASE DEFICIENCY; 3-OXOTHIOLASE DEFICIENCY; Beta-ketothiolase deficiency; MITOCHONDRIAL ACETOACETYL-CoA THIOLASE DEFICIENCY. Identifiers: Orphanet 134, MedGen C1536500, MONDO:0008760, OMIM 203750. Disease mechanism: loss of function.

Submissions (3):

Labcorp Genetics (formerly Invitae), Labcorp
Classification: Pathogenic for Deficiency of acetyl-CoA acetyltransferase. Last evaluated: 2023-07-17. Review status: criteria provided, single submitter. Criteria: Invitae Variant Classification Sherloc (09022015). Collection method: clinical testing. Allele origin: germline.
Comment: ClinVar contains an entry for this variant (Variation ID: 666483). This sequence change affects a donor splice site in intron 5 of the ACAT1 gene. It is expected to disrupt RNA splicing. Variants that disrupt the donor or acceptor splice site typically lead to a loss of protein function (PMID: 16199547), and loss-of-function variants in ACAT1 are known to be pathogenic (PMID: 7749408). This variant is not present in population databases (gnomAD no frequency). Disruption of this splice site has been observed in individuals with beta-ketothiolase deficiency (PMID: 9090533). Algorithms developed to predict the effect of sequence changes on RNA splicing suggest that this variant may disrupt the consensus splice site. For these reasons, this variant has been classified as Pathogenic.

Baylor Genetics
Classification: Pathogenic for Deficiency of acetyl-CoA acetyltransferase. Last evaluated: 2023-06-13. Review status: criteria provided, single submitter. Criteria: ACMG Guidelines, 2015. Collection method: clinical testing. Allele origin: unknown.

Department of Pediatrics, Gifu University
Classification: Pathogenic for Deficiency of acetyl-CoA acetyltransferase. Last evaluated: 2019-05-05. Review status: criteria provided, single submitter. Criteria: ACMG Guidelines, 2015. Collection method: research. Allele origin: germline. Affected: yes. Observed: 2 variant alleles.

Literature cited by the submitters: PubMed 16199547 (cited by Labcorp Genetics (formerly Invitae), Labcorp); PubMed 7749408 (cited by Labcorp Genetics (formerly Invitae), Labcorp); PubMed 9090533 (cited by Labcorp Genetics (formerly Invitae), Labcorp); PubMed 31268215 (cited by Department of Pediatrics, Gifu University).

NM_000019.4(ACAT1):c.435+1G>A

Gene: ACAT1 (acetyl-CoA acetyltransferase 1; plus strand). Cytogenetic location: 11q22.3.
Variant type: single nucleotide variant.
Coding change: c.435+1G>A on transcript NM_000019.4 (MANE Select); the canonical splice donor site of the intron after coding-DNA position 435, G replaced by A.
Molecular consequence: splice donor variant. On other transcripts: intron variant (1).
Genome position (GRCh38, 1-based): chr11:108,135,243, G>A. VCF-style: chr11-108135243-G-A. GRCh37 (hg19) VCF-style: chr11-108005970-G-A.
Other names: c.165+1G>A (NM_001386682.1, NM_001386681.1, NM_001386685.1 and 6 more transcripts); c.435+1G>A (NM_001386677.1); c.138+1G>A (NM_001386679.1); c.120+3289G>A (NM_001386678.1).
Identifiers: ClinVar variation 666483 (VCV000666483.5), dbSNP rs1591363834, ClinGen allele CA382506903.
Genomic context (GRCh38, chr11:108,135,243, plus strand): 5'-TGTGCTTCAGGAATGAAAGCCATCATGATGGCCTCTCAAAGTCTTATGTGTGGACATCAG[G>A]TAAGAAACACCGTCCTTCCCATTTATTAATCAGAGTAATACCTAGGGCTAAAAGACACAA-3'